The following is an entry in ClinVar:

ClinVar aggregate classification (germline): Benign/Likely benign. Review status: criteria provided, multiple submitters, no conflicts (2 of 4 stars). 2 submissions from 2 submitters: Benign (1); Likely benign (1). Last evaluated 2026-07-01.

Conditions:
Sessile serrated polyposis cancer syndrome (SSPCS). Identifiers: Orphanet 157798, MedGen C4310714, MONDO:0014919, OMIM 617108.

Allele frequency attached by ClinVar (database versions not stated): gnomAD 0.00001.
gnomAD v4.1: 2 of 1,611,052 alleles (0.00012%); highest among the groups gnomAD compares: Admixed American, 0.0017%; no homozygotes.

Submissions (2):

Myriad Genetics, Inc.
Classification: Benign for Sessile serrated polyposis cancer syndrome. Last evaluated: 2026-07-01. Review status: criteria provided, single submitter. Criteria: Myriad Autosomal Dominant, Autosomal Recessive and X-Linked Classification Criteria (2023). Collection method: clinical testing. Allele origin: unknown.
Comment: This variant is considered benign. This variant is a silent/synonymous amino acid change and it is not expected to impact splicing.

Labcorp Genetics (formerly Invitae), Labcorp
Classification: Likely benign. Last evaluated: 2022-09-20. Review status: criteria provided, single submitter. Criteria: Invitae Variant Classification Sherloc (09022015). Collection method: clinical testing. Allele origin: germline.

NM_017763.6(RNF43):c.1227G>A (p.Gln409=)

Gene: RNF43 (ring finger protein 43; minus strand). Cytogenetic location: 17q22.
Variant type: single nucleotide variant.
Coding change: c.1227G>A on transcript NM_017763.6 (MANE Select); coding-DNA position 1227, G replaced by A.
Protein change: p.Gln409=; no amino-acid change (glutamine 409 retained).
Molecular consequence: synonymous variant.
Genome position (GRCh38, 1-based): chr17:58,358,549, C>T on the plus strand (G>A on the coding strand, the complement: RNF43 is on the minus strand). VCF-style: chr17-58358549-C-T. GRCh37 (hg19) VCF-style: chr17-56435910-C-T.
Other names: c.1227G>A, p.Gln409= (NM_001305544.3); c.846G>A, p.Gln282= (NM_001305545.2).
Identifiers: ClinVar variation 1986081 (VCV001986081.5), dbSNP rs1972755518, ClinGen allele CA501325185.